The following is an entry in ClinVar:

ClinVar aggregate classification (germline): Likely pathogenic (1 of 4 stars; one submission).

Conditions:
NIK deficiency. Also called: Primary immunodeficiency with multifaceted aberrant lymphoid immunity. Identifiers: Orphanet 447731, MedGen C5680065, MONDO:0018642.

Submission:

Labcorp Genetics (formerly Invitae), Labcorp
Classification: Likely pathogenic for NIK deficiency. Last evaluated: 2023-10-03. Review status: criteria provided, single submitter. Criteria: Invitae Variant Classification Sherloc (09022015). Collection method: clinical testing. Allele origin: germline.
Comment: This sequence change creates a premature translational stop signal (p.Cys306Valfs*2) in the MAP3K14 gene. It is expected to result in an absent or disrupted protein product. However, the current clinical and genetic evidence is not sufficient to establish whether loss-of-function variants in MAP3K14 cause disease. This variant is not present in population databases (gnomAD no frequency). This premature translational stop signal has been observed in individual(s) with clinical features of combined immunodeficiency (PMID: 30445060, 32552793). It has also been observed to segregate with disease in related individuals. ClinVar contains an entry for this variant (Variation ID: 1489957). In summary, the currently available evidence indicates that the variant is pathogenic, but additional data are needed to prove that conclusively. Therefore, this variant has been classified as Likely Pathogenic.

Literature cited by the submitters: PubMed 30445060; PubMed 32552793.

NM_003954.5(MAP3K14):c.916del (p.Cys306fs)

Gene: MAP3K14 (mitogen-activated protein kinase kinase kinase 14; minus strand). Cytogenetic location: 17q21.31.
Variant type: Deletion.
Coding change: c.916del on transcript NM_003954.5 (MANE Select); coding-DNA position 916, one base deleted (T; older notation c.916delT).
Protein change: p.Cys306fs; shifts the reading frame from cysteine 306.
Molecular consequence: frameshift variant.
Genome position (GRCh38, 1-based): chr17:45,286,667, A deleted on the plus strand (T on the coding strand, the reverse complement: MAP3K14 is on the minus strand). VCF-style (leftmost placement, unchanged base first): chr17-45286666-CA-C. GRCh37 (hg19) VCF-style: chr17-43364033-CA-C.
Other names: short protein forms C306fs.
Identifiers: ClinVar variation 1489957 (VCV001489957.8), dbSNP rs2143820144, ClinGen allele CA2573154116.
Genomic context (GRCh38, chr17:45,286,666, plus strand): 5'-CCACGAGACAGGCAGCTGGGCTCCAGGTGTGGGCCAGGCAGGGGCTTTGGACTGTCTACA[CA>C]GGCCAGTTTGCTCAGGTGTGGGTCAGGCAAGGGTTTCTGGCTGTCTACACAGGCCAGTTT-3'